The following is an entry in ClinVar:

NM_001039591.3(USP9X):c.2686G>T (p.Gly896Cys)

Gene: USP9X (ubiquitin specific peptidase 9 X-linked; plus strand). Cytogenetic location: Xp11.4.
Variant type: single nucleotide variant.
Coding change: c.2686G>T on transcript NM_001039591.3 (MANE Select); coding-DNA position 2686, G replaced by T.
Protein change: p.Gly896Cys; replaces glycine 896 with cysteine.
Molecular consequence: missense variant.
Genome position (GRCh38, 1-based): chrX:41,170,044, G>T. VCF-style: chrX-41170044-G-T. GRCh37 (hg19) VCF-style: chrX-41029297-G-T.
Other names: c.2686G>T, p.Gly896Cys (NM_001039590.3); c.2701G>T, p.Gly901Cys (NM_001410748.1, NM_001410749.1); short protein forms G896C, G901C.
Identifiers: ClinVar variation 3364425 (VCV003364425.1).

ClinVar aggregate classification (germline): Uncertain significance (1 of 4 stars; one submission).

Submission:

GeneDx
Classification: Uncertain significance. Last evaluated: 2023-11-19. Review status: criteria provided, single submitter. Criteria: GeneDx Variant Classification Process June 2021. Collection method: clinical testing. Allele origin: germline. Affected: yes.
Comment: Not observed at significant frequency in large population cohorts (gnomAD); In silico analysis supports that this missense variant has a deleterious effect on protein structure/function; Has not been previously published as pathogenic or benign to our knowledge